The following is an entry in ClinVar:

NM_001377229.1(DISP1):c.540-10T>A

Gene: DISP1 (dispatched RND transporter family member 1; plus strand). Cytogenetic location: 1q41.
Variant type: single nucleotide variant.
Coding change: c.540-10T>A on transcript NM_001377229.1 (MANE Select); 10 bases into the intron before coding-DNA position 540, T replaced by A.
Molecular consequence: intron variant.
Genome position (GRCh38, 1-based): chr1:222,990,615, T>A. VCF-style: chr1-222990615-T-A. GRCh37 (hg19) VCF-style: chr1-223163957-T-A.
Other names: c.540-10T>A (NM_032890.5, NM_001377228.1, NM_001369594.1); c.-348-10T>A (NM_001350630.2).
Identifiers: ClinVar variation 1307846 (VCV001307846.2), dbSNP rs1440171002, ClinGen allele CA529081727.

ClinVar aggregate classification (germline): Uncertain significance (1 of 4 stars; one submission).

Allele frequency attached by ClinVar (database versions not stated): gnomAD exomes below 0.00001; gnomAD 0.00001.

Submission:

GeneDx
Classification: Uncertain significance. Last evaluated: 2019-08-16. Review status: criteria provided, single submitter. Criteria: GeneDx Variant Classification Process June 2021. Collection method: clinical testing. Allele origin: germline. Affected: yes.
Comment: In-silico analysis, which includes splice predictors and evolutionary conservation, is inconclusive as to whether the variant alters gene splicing. In the absence of RNA/functional studies, the actual effect of this sequence change is unknown.; Has not been previously published as pathogenic or benign to our knowledge